The following is an entry in ClinVar:

NM_002350.4(LYN):c.23G>A (p.Gly8Glu)

Gene: LYN (LYN proto-oncogene, Src family tyrosine kinase; plus strand). Cytogenetic location: 8q12.1.
Variant type: single nucleotide variant.
Coding change: c.23G>A on transcript NM_002350.4 (MANE Select); coding-DNA position 23, G replaced by A.
Protein change: p.Gly8Glu; replaces glycine 8 with glutamic acid.
Molecular consequence: missense variant.
Genome position (GRCh38, 1-based): chr8:55,941,882, G>A. VCF-style: chr8-55941882-G-A. GRCh37 (hg19) VCF-style: chr8-56854441-G-A.
Other names: c.23G>A, p.Gly8Glu (NM_001111097.3); short protein forms G8E.
Identifiers: ClinVar variation 2799522 (VCV002799522.3), dbSNP rs1320979570, ClinGen allele CA371277715.
Genomic context (GRCh38, chr8:55,941,882, plus strand): 5'-TAAAACAATGTCATTACTTTTATGTTTCAACAGGAAATATGGGATGTATAAAATCAAAAG[G>A]GAAAGACAGCTTGAGTGACGATGGAGTAGATTTGAAGACTCAACCAGTACGTAATACTGA-3'
Protein context (NP_002341.1, residues 1-18): MGCIKSK[Gly8Glu]KDSLSDDGVD

ClinVar aggregate classification (germline): Uncertain significance (1 of 4 stars; one submission).

Allele frequency attached by ClinVar (database versions not stated): gnomAD 0.00001.
gnomAD v4.1: 1 of 1,612,936 alleles (0.000062%); highest among the groups gnomAD compares: East Asian, 0.0022%; no homozygotes.

Submission:

Labcorp Genetics (formerly Invitae), Labcorp
Classification: Uncertain significance. Last evaluated: 2024-10-29. Review status: criteria provided, single submitter. Criteria: Invitae Variant Classification Sherloc (09022015). Collection method: clinical testing. Allele origin: germline.
Comment: This sequence change replaces glycine, which is neutral and non-polar, with glutamic acid, which is acidic and polar, at codon 8 of the LYN protein (p.Gly8Glu). This variant is present in population databases (no rsID available, gnomAD 0.06%). This variant has not been reported in the literature in individuals affected with LYN-related conditions. An algorithm developed to predict the effect of missense changes on protein structure and function (PolyPhen-2) suggests that this variant is likely to be tolerated. In summary, the available evidence is currently insufficient to determine the role of this variant in disease. Therefore, it has been classified as a Variant of Uncertain Significance.